The following is an entry in ClinVar:

NM_181523.3(PIK3R1):c.1425+36_1425+38dup

Gene: PIK3R1 (phosphoinositide-3-kinase regulatory subunit 1; plus strand). Cytogenetic location: 5q13.1.
Variant type: Duplication.
Coding change: c.1425+36_1425+38dup on transcript NM_181523.3 (MANE Select); bases 36 to 38 of the intron after coding-DNA position 1425, 3 bases duplicated (AGT; older notation c.1425+36_1425+38dupAGT).
Molecular consequence: intron variant.
Genome position (GRCh38, 1-based): chr5:68,293,870-68,293,872, AGT duplicated. VCF-style (leftmost placement, unchanged base first): chr5-68293869-G-GAGT. GRCh37 (hg19) VCF-style: chr5-67589697-G-GAGT.
Other names: c.525+36_525+38dup (NM_181524.2); c.615+36_615+38dup (NM_181504.4); c.336+36_336+38dup (NM_001242466.2).
Identifiers: ClinVar variation 1271394 (VCV001271394.2), dbSNP rs146841842, ClinGen allele CA3290390.

ClinVar aggregate classification (germline): Benign. Review status: reviewed by expert panel (3 of 4 stars). 2 submissions from 2 submitters: Benign (1). 1 of the submissions does not count toward it. Last evaluated 2026-05-19.

Conditions:
PIK3R1-related immunodeficiency and SHORT syndrome. Identifiers: MedGen CN379774, MONDO:1060136.

Allele frequency attached by ClinVar (database versions not stated): gnomAD exomes 0.00273 and 0.00816; ExAC 0.00969; gnomAD 0.03024 and 0.03248; 1000 Genomes Project 0.03295; TOPMed 0.03425.

Submissions (2):

ClinGen Primary Immune Regulatory Disorders Variant Curation Expert Panel, ClinGen
Classification: Benign for PIK3R1-related immunodeficiency and SHORT syndrome. Last evaluated: 2026-05-19. Review status: reviewed by expert panel. Criteria: ClinGen AbDef ACMG Specifications PIK3R1 V1.0.0. Collection method: curation. Allele origin: germline. Inheritance: Autosomal dominant inheritance.
Comment: NM_181523.3(PIK3R1):c.1425+36_1425+38dup is a 3-nucleotide insertion in intron 11 that does not have a predicted impact on PIK3R1 splicing (BP7). The splicing impact predictor SpliceAI gives a score of 0.00 for all splicing events, which is below the ClinGen Antibody Deficiencies VCEP recommended threshold of <0.1 and does not predict an impact on splicing (BP4). This variant is present in gnomAD v4.1.0 at a GrpMax allele frequency of 0.1004, with 7,137 alleles / 69,682 total alleles in the African/African American population, which is higher than the ClinGen Antibody Deficiencies VCEP BA1 threshold of >0.00316 (BA1). In summary, this variant meets the criteria to be classified as benign for autosomal dominant PIK3R1-related immunodeficiency and SHORT syndrome based on the ACMG/AMP criteria applied, as specified by the ClinGen Antibody Deficiencies VCEP: BP7, BP4, and BA1. (VCEP specifications version 1.0.0; date of approval 04/29/2026).

GeneDx
Classification: Benign. Last evaluated: 2021-06-04. Review status: criteria provided, single submitter. Criteria: GeneDx Variant Classification Process June 2021. Collection method: clinical testing. Allele origin: germline. Affected: yes. Not counted in ClinVar's aggregate classification.